The following is an entry in ClinVar:

NM_004370.6(COL12A1):c.2843C>G (p.Thr948Ser)

Gene: COL12A1 (collagen type XII alpha 1 chain; minus strand). Cytogenetic location: 6q13.
Variant type: single nucleotide variant.
Coding change: c.2843C>G on transcript NM_004370.6 (MANE Select); coding-DNA position 2843, C replaced by G.
Protein change: p.Thr948Ser; replaces threonine 948 with serine.
Molecular consequence: missense variant. On other transcripts: intron variant (2).
Genome position (GRCh38, 1-based): chr6:75,165,647, G>C on the plus strand (C>G on the coding strand, the complement: COL12A1 is on the minus strand). VCF-style: chr6-75165647-G-C. GRCh37 (hg19) VCF-style: chr6-75875363-G-C.
Other names: c.2843C>G, p.Thr948Ser (NM_001424113.1, NM_001424114.1); c.2570C>G, p.Thr857Ser (NM_001424115.1); c.74-13165C>G (NM_001424116.1, NM_080645.3); short protein forms T857S, T948S.
Identifiers: ClinVar variation 4976057 (VCV004976057.1).

ClinVar aggregate classification (germline): Uncertain significance (1 of 4 stars; one submission).

gnomAD v4.1: 1 of 1,613,952 alleles (0.000062%); highest among the groups gnomAD compares: Admixed American, 0.0017%; no homozygotes.

Submission:

GeneDx
Classification: Uncertain significance. Last evaluated: 2026-02-10. Review status: criteria provided, single submitter. Criteria: GeneDx Variant Classification Process June 2021. Collection method: clinical testing. Allele origin: germline.
Comment: Not observed at significant frequency in large population cohorts (gnomAD); In silico analysis suggests that this missense variant does not alter protein structure/function; Has not been previously published as pathogenic or benign to our knowledge